The following is an entry in ClinVar:

NM_198529.4(EFCAB5):c.1773G>A (p.Val591=)

Gene: EFCAB5 (EF-hand calcium binding domain 5; plus strand). Cytogenetic location: 17q11.2.
Variant type: single nucleotide variant.
Coding change: c.1773G>A on transcript NM_198529.4 (MANE Select); coding-DNA position 1773, G replaced by A.
Protein change: p.Val591=; no amino-acid change (valine 591 retained).
Molecular consequence: synonymous variant. On other transcripts: non-coding transcript variant (1).
Genome position (GRCh38, 1-based): chr17:30,053,727, G>A. VCF-style: chr17-30053727-G-A. GRCh37 (hg19) VCF-style: chr17-28380745-G-A.
Other names: c.1605G>A, p.Val535= (NM_001145053.2).
Identifiers: ClinVar variation 2647620 (VCV002647620.24), dbSNP rs371953416, ClinGen allele CA8478862.
Genomic context (GRCh38, chr17:30,053,727, plus strand): 5'-GTCAACTACAGAACAAGGACAGCACAAAGGGTCAATAGAAGGACAAGGACCACGCAGAGT[G>A]TCAGTTTCAGAACAAGGATCAAGCAGAGAGTCAGTTGCAGAACAAGGGTCACGCAGAGAG-3'
Protein context (NP_940931.3, residues 581-601): GSIEGQGPRR[Val591=]SVSEQGSSRE

ClinVar aggregate classification (germline): Likely benign (1 of 4 stars; one submission).

Allele frequency attached by ClinVar (database versions not stated): 1000 Genomes Project 30x 0.00016; ESP Exome Variant Server 0.00016; ExAC 0.00017; gnomAD 0.00010; TOPMed 0.00014; 1000 Genomes Project 0.00020; gnomAD exomes 0.00021.
gnomAD v4.1: 321 of 1,613,950 alleles (0.02%); highest among the groups gnomAD compares: Admixed American, 0.027%; no homozygotes.

Submission:

CeGaT Center for Human Genetics Tuebingen
Classification: Likely benign. Last evaluated: 2023-01-01. Review status: criteria provided, single submitter. Criteria: CeGaT Center For Human Genetics Tuebingen Variant Classification Criteria Version 2. Collection method: clinical testing. Allele origin: germline. Affected: yes. Observed: 1 variant allele.
Comment: EFCAB5: BP4, BP7